The following is an entry in ClinVar:

ClinVar aggregate classification (germline): Likely benign. Review status: criteria provided, multiple submitters, no conflicts (2 of 4 stars). 5 submissions from 5 submitters: Likely benign (4). 1 of the submissions does not count toward it. Last evaluated 2026-06-18.

Conditions:
FGFR3-related disorder. Also called: FGFR3-related disorders.

Allele frequency attached by ClinVar (database versions not stated): gnomAD exomes 0.00005 and 0.00024; ExAC 0.00021; TOPMed 0.00032; gnomAD 0.00042 and 0.00043; ESP Exome Variant Server 0.00054; 1000 Genomes Project 0.00120; 1000 Genomes Project 30x 0.00141.

Submissions (5):

Women's Health and Genetics/Laboratory Corporation of America, LabCorp
Classification: Likely benign. Last evaluated: 2026-06-18. Review status: criteria provided, single submitter. Criteria: LabCorp Variant Classification Summary - May 2015. Collection method: clinical testing. Allele origin: germline.
Comment: Variant summary: FGFR3 c.154G>A (p.Gly52Ser) results in a non-conservative amino acid change in the encoded protein sequence. Algorithms developed to predict the effect of missense changes on protein structure and function are either unavailable or do not agree on the potential impact of this missense change. The variant allele was found at a frequency of 0.00024 in 246014 control chromosomes, predominantly at a frequency of 0.0016 within the East Asian subpopulation in the gnomAD database. The observed variant frequency within East Asian control individuals in the gnomAD database exceeds the estimated maximal expected allele frequency for disease-causing variants in FGFR3. To our knowledge, no occurrence of c.154G>A in individuals affected with FGFR3-related conditions and no experimental evidence demonstrating its impact on protein function have been reported. ClinVar contains an entry for this variant (Variation ID: 716579). Based on the evidence outlined above, the variant was classified as likely benign.

Labcorp Genetics (formerly Invitae), Labcorp
Classification: Likely benign. Last evaluated: 2026-01-06. Review status: criteria provided, single submitter. Criteria: Invitae Variant Classification Sherloc (09022015). Collection method: clinical testing. Allele origin: germline.

GeneDx
Classification: Likely benign. Last evaluated: 2020-04-06. Review status: criteria provided, single submitter. Criteria: GeneDx Variant Classification Process June 2021. Collection method: clinical testing. Allele origin: germline. Affected: yes.

Breakthrough Genomics
Classification: Likely benign. Review status: criteria provided, single submitter. Criteria: ACMG Guidelines, 2015. Collection method: not provided. Allele origin: germline. Inheritance: Autosomal dominant inheritance. Affected: yes.

PreventionGenetics, part of Exact Sciences
Classification: Likely benign for FGFR3-related condition. Last evaluated: 2024-01-18. Review status: no assertion criteria provided. Collection method: clinical testing. Allele origin: germline. Not counted in ClinVar's aggregate classification.
Comment: This variant is classified as likely benign based on ACMG/AMP sequence variant interpretation guidelines (Richards et al. 2015 PMID: 25741868, with internal and published modifications).

NM_000142.5(FGFR3):c.154G>A (p.Gly52Ser)

Gene: FGFR3 (fibroblast growth factor receptor 3; plus strand). Cytogenetic location: 4p16.3.
Variant type: single nucleotide variant.
Coding change: c.154G>A on transcript NM_000142.5 (MANE Select); coding-DNA position 154, G replaced by A.
Protein change: p.Gly52Ser; replaces glycine 52 with serine.
Molecular consequence: missense variant. On other transcripts: non-coding transcript variant (1).
Genome position (GRCh38, 1-based): chr4:1,799,298, G>A. VCF-style: chr4-1799298-G-A. GRCh37 (hg19) VCF-style: chr4-1801025-G-A.
Other names: c.154G>A, p.Gly52Ser (NM_001163213.2, NM_001354809.2, NM_001354810.2 and 1 more transcripts); short protein forms G52S.
Identifiers: ClinVar variation 716579 (VCV000716579.15), dbSNP rs140087676, ClinGen allele CA2809729.